The following is an entry in ClinVar:

ClinVar aggregate classification (germline): Likely benign (1 of 4 stars; one submission).

Submission:

GeneDx
Classification: Likely benign. Last evaluated: 2017-01-13. Review status: criteria provided, single submitter. Criteria: GeneDx Variant Classification (06012015). Collection method: clinical testing. Allele origin: germline. Affected: yes.
Comment: This variant is considered likely benign or benign based on one or more of the following criteria: it is a conservative change, it occurs at a poorly conserved position in the protein, it is predicted to be benign by multiple in silico algorithms, and/or has population frequency not consistent with disease.

NM_007294.4(BRCA1):c.-37C>T

Genes: BRCA1 (BRCA1 DNA repair associated; minus strand), LOC111589215 (BRCA1 promoter region; plus strand). Cytogenetic location: 17q21.31.
Variant type: single nucleotide variant.
Coding change: c.-37C>T on transcript NM_007294.4 (MANE Select); 37 bases upstream of the start codon, C replaced by T.
Molecular consequence: 5 prime UTR variant. On other transcripts: non-coding transcript variant (1).
Genome position (GRCh38, 1-based): chr17:43,125,288, G>A on the plus strand (C>T on the coding strand, the complement: BRCA1 is on the minus strand). VCF-style: chr17-43125288-G-A. GRCh37 (hg19) VCF-style: chr17-41277305-G-A.
Other names: c.-118C>T (NM_007297.4); c.-31C>T (NM_007299.4); c.-37C>T (NM_007300.4).
Identifiers: ClinVar variation 393043 (VCV000393043.1), dbSNP rs1057524754, ClinGen allele CA16607289.
Genomic context (GRCh38, chr17:43,125,288, plus strand): 5'-AGCATCACTTGGGCCCCCTGTCCCTTTCCCGGGACTCTACTACCTTTACCCAGAGCAGAG[G>A]GTGAAGGCCTCCTGAGCGCAGGGGCCCAGTTATCTGAGAAACCCCACAGCCTGTCCCCCG-3'